The following is an entry in ClinVar:

ClinVar aggregate classification (germline): Uncertain significance. Review status: criteria provided, multiple submitters, no conflicts (2 of 4 stars). 2 submissions from 2 submitters: Uncertain significance (2). Last evaluated 2024-12-12.

Conditions:
Parathyroid carcinoma (PRTC). Also called: CDC73-Related Parathyroid Carcinoma; Parathyroid gland carcinoma. Identifiers: Orphanet 143, MedGen C0687150, MONDO:0012004, OMIM 608266, HP:0006780.
Hereditary cancer-predisposing syndrome. Also called: Tumor predisposition; Neoplastic Syndromes, Hereditary; Hereditary Cancer Syndrome; Hereditary neoplastic syndrome. Identifiers: Orphanet 140162, MedGen C0027672, MeSH D009386, MONDO:0015356.

gnomAD v4.1: 1 of 1,604,792 alleles (0.000062%); highest among the groups gnomAD compares: Non-Finnish European, 0.000085%; no homozygotes.

Submissions (2):

Labcorp Genetics (formerly Invitae), Labcorp
Classification: Uncertain significance for Parathyroid carcinoma. Last evaluated: 2024-12-12. Review status: criteria provided, single submitter. Criteria: Invitae Variant Classification Sherloc (09022015). Collection method: clinical testing. Allele origin: germline.
Comment: This sequence change replaces threonine, which is neutral and polar, with methionine, which is neutral and non-polar, at codon 304 of the CDC73 protein (p.Thr304Met). This variant is not present in population databases (gnomAD no frequency). This variant has not been reported in the literature in individuals affected with CDC73-related conditions. Invitae Evidence Modeling of protein sequence and biophysical properties (such as structural, functional, and spatial information, amino acid conservation, physicochemical variation, residue mobility, and thermodynamic stability) indicates that this missense variant is expected to disrupt CDC73 protein function with a positive predictive value of 80%. In summary, the available evidence is currently insufficient to determine the role of this variant in disease. Therefore, it has been classified as a Variant of Uncertain Significance.

Ambry Genetics
Classification: Uncertain significance for Hereditary cancer-predisposing syndrome. Last evaluated: 2024-09-26. Review status: criteria provided, single submitter. Criteria: Ambry Variant Classification Scheme 2023. Collection method: clinical testing. Allele origin: germline.
Comment: The p.T304M variant (also known as c.911C>T), located in coding exon 10 of the CDC73 gene, results from a C to T substitution at nucleotide position 911. The threonine at codon 304 is replaced by methionine, an amino acid with similar properties. This amino acid position is highly conserved in available vertebrate species. In addition, the in silico prediction for this alteration is inconclusive. Based on the available evidence, the clinical significance of this variant remains unclear.

NM_024529.5(CDC73):c.911C>T (p.Thr304Met)

Gene: CDC73 (cell division cycle 73; plus strand). Cytogenetic location: 1q31.2.
Variant type: single nucleotide variant.
Coding change: c.911C>T on transcript NM_024529.5 (MANE Select); coding-DNA position 911, C replaced by T.
Protein change: p.Thr304Met; replaces threonine 304 with methionine.
Molecular consequence: missense variant.
Genome position (GRCh38, 1-based): chr1:193,152,383, C>T. VCF-style: chr1-193152383-C-T. GRCh37 (hg19) VCF-style: chr1-193121513-C-T.
Other names: short protein forms T304M.
Identifiers: ClinVar variation 3488515 (VCV003488515.3).